The following is an entry in ClinVar:

ClinVar aggregate classification (germline): Uncertain significance (1 of 4 stars; one submission).

gnomAD v4.1: 1 of 1,211,681 alleles (0.000083%); highest among the groups gnomAD compares: Non-Finnish European, 0.00011%; no homozygotes.

Submission:

GeneDx
Classification: Uncertain significance. Last evaluated: 2024-09-16. Review status: criteria provided, single submitter. Criteria: GeneDx Variant Classification Process June 2021. Collection method: clinical testing. Allele origin: germline. Affected: yes.
Comment: Not observed at significant frequency in large population cohorts (gnomAD); In silico analysis supports that this missense variant has a deleterious effect on protein structure/function; Has not been previously published as pathogenic or benign to our knowledge

NM_004187.5(KDM5C):c.1879C>T (p.Arg627Cys)

Gene: KDM5C (lysine demethylase 5C; minus strand). Cytogenetic location: Xp11.22.
Variant type: single nucleotide variant.
Coding change: c.1879C>T on transcript NM_004187.5 (MANE Select); coding-DNA position 1879, C replaced by T.
Protein change: p.Arg627Cys; replaces arginine 627 with cysteine.
Molecular consequence: missense variant. On other transcripts: non-coding transcript variant (3).
Genome position (GRCh38, 1-based): chrX:53,201,732, G>A on the plus strand (C>T on the coding strand, the complement: KDM5C is on the minus strand). VCF-style: chrX-53201732-G-A. GRCh37 (hg19) VCF-style: chrX-53230914-G-A.
Other names: c.1678C>T, p.Arg560Cys (NM_001146702.2); c.1876C>T, p.Arg626Cys (NM_001282622.3, NM_001353979.2, NM_001353982.2); c.1879C>T, p.Arg627Cys (NM_001353978.3, NM_001353981.2, NM_001353984.2); short protein forms R560C, R626C, R627C.
Identifiers: ClinVar variation 3769801 (VCV003769801.1).